The following is an entry in ClinVar:

ClinVar aggregate classification (germline): Conflicting classifications of pathogenicity. Review status: criteria provided, conflicting classifications (1 of 4 stars). 4 submissions from 4 submitters: Uncertain significance (1); Likely benign (3). Last evaluated 2025-12-19.

Conditions:
F2-related disorder. Also called: F2-related condition; F2-related disorders.
Ischemic stroke. Also called: CEREBROVASCULAR ACCIDENT; Ischemic stroke, susceptibility to. Identifiers: MedGen C0948008, MONDO:1060198, OMIM 601367, HP:0002140.
Congenital prothrombin deficiency. Also called: Factor II deficiency; Hereditary factor II deficiency disease; HYPOPROTHROMBINEMIA; Inherited hypoprothrombinemia; Congenital factor II deficiency; Inherited prothrombin deficiency. Identifiers: Orphanet 325, MedGen C0272317, MONDO:0013361, OMIM 613679.
Pregnancy loss, recurrent, susceptibility to, 2 (RPRGL2). Identifiers: MedGen C3280672, MONDO:0013728, OMIM 614390.
Thrombophilia due to thrombin defect (THPH1). Also called: Prothrombin Thrombophilia; Thrombosis susceptibility; THROMBOPHILIA DUE TO FACTOR 2 DEFECT; Prothrombin-Related Thrombophilia (Factor II). Identifiers: MedGen C3160733, MONDO:0008559, OMIM 188050. Disease mechanism: gain of function, loss of function.

Allele frequency attached by ClinVar (database versions not stated): ExAC 0.00025.

Submissions (4):

Labcorp Genetics (formerly Invitae), Labcorp
Classification: Likely benign for Congenital prothrombin deficiency. Last evaluated: 2025-12-19. Review status: criteria provided, single submitter. Criteria: Invitae Variant Classification Sherloc (09022015). Collection method: clinical testing. Allele origin: germline.

PreventionGenetics, part of Exact Sciences
Classification: Likely benign for F2-related condition. Last evaluated: 2025-06-11. Review status: criteria provided, single submitter. Criteria: ACMG Guidelines, 2015. Collection method: clinical testing. Allele origin: germline.
Comment: This variant is classified as likely benign based on ACMG/AMP sequence variant interpretation guidelines (Richards et al. 2015 PMID: 25741868, with internal and published modifications).

Blueprint Genetics
Classification: Likely benign. Last evaluated: 2024-09-13. Review status: criteria provided, single submitter. Criteria: ACMG Guidelines, 2015. Collection method: clinical testing. Allele origin: germline.

Department of Pathology and Laboratory Medicine, Sinai Health System
Classification: Uncertain significance for Thrombophilia due to thrombin defect; Ischemic stroke; Congenital prothrombin deficiency; Pregnancy loss, recurrent, susceptibility to, 2. Last evaluated: 2021-08-10. Review status: criteria provided, single submitter. Criteria: ACMG Guidelines, 2015. Collection method: research. Allele origin: germline.

NM_000506.5(F2):c.1542C>A (p.Asn514Lys)

Gene: F2 (coagulation factor II, thrombin; plus strand). Cytogenetic location: 11p11.2.
Variant type: single nucleotide variant.
Coding change: c.1542C>A on transcript NM_000506.5 (MANE Select); coding-DNA position 1542, C replaced by A.
Protein change: p.Asn514Lys; replaces asparagine 514 with lysine.
Molecular consequence: missense variant.
Genome position (GRCh38, 1-based): chr11:46,729,449, C>A. VCF-style: chr11-46729449-C-A. GRCh37 (hg19) VCF-style: chr11-46750999-C-A.
Other names: short protein forms N514K.
Identifiers: ClinVar variation 2697011 (VCV002697011.6), dbSNP rs199772906, ClinGen allele CA5967320.
Genomic context (GRCh38, chr11:46,729,449, plus strand): 5'-GGCTGGATACAAGGGGCGGGTGACAGGCTGGGGCAACCTGAAGGAGACGTGGACAGCCAA[C>A]GTTGGTAAGGGGCAGCCCAGTGTCCTGCAGGTGGTGAACCTGCCCATTGTGGAGCGGCCG-3'
Protein context (NP_000497.1, residues 504-524): WGNLKETWTA[Asn514Lys]VGKGQPSVLQ